The following is an entry in ClinVar:

NC_000021.8:g.(?_44479686)_(44483266_?)del

Gene: CBS (cystathionine beta-synthase; minus strand). Cytogenetic location: 21q22.3.
Variant type: Deletion.
Identifiers: ClinVar variation 1459487 (VCV001459487.4).

ClinVar aggregate classification (germline): Pathogenic (1 of 4 stars; one submission).

Conditions:
HYPERHOMOCYSTEINEMIA, THROMBOTIC, CBS-RELATED. Identifiers: MedGen C3150344, OMIM 236200.

Submission:

Labcorp Genetics (formerly Invitae), Labcorp
Classification: Pathogenic for HYPERHOMOCYSTEINEMIA, THROMBOTIC, CBS-RELATED. Last evaluated: 2021-09-18. Review status: criteria provided, single submitter. Criteria: Invitae Variant Classification Sherloc (09022015). Collection method: clinical testing. Allele origin: germline.
Comment: For these reasons, this variant has been classified as Pathogenic. This variant has not been reported in the literature in individuals affected with CBS-related conditions. This variant is a complex rearrangement that results in the deletion of exon 10-12. There is also some indication that the surrounding sequence could be disrupted, but the exact nature of this event is unknown. This deletion is out-of-frame, and is expected to create a premature termination codon and result in an absent or disrupted protein product. Loss-of-function variants in CBS are known to be pathogenic (PMID: 10338090, 12124992).

Literature cited by the submitters: PubMed 10338090; PubMed 12124992.